The following is an entry in ClinVar:

NM_144499.3(GNAT1):c.*2329A>G

Gene: GNAT1 (G protein subunit alpha transducin 1; plus strand). Cytogenetic location: 3p21.31.
Variant type: single nucleotide variant.
Coding change: c.*2329A>G on transcript NM_144499.3 (MANE Select); 2329 bases downstream of the stop codon, A replaced by G.
Molecular consequence: 3 prime UTR variant.
Genome position (GRCh38, 1-based): chr3:50,197,595, A>G. VCF-style: chr3-50197595-A-G. GRCh37 (hg19) VCF-style: chr3-50235028-A-G.
Other names: c.*1195A>G (NM_000172.4).
Identifiers: ClinVar variation 899842 (VCV000899842.4), dbSNP rs187096133, ClinGen allele CA74602928.

ClinVar aggregate classification (germline): Benign (1 of 4 stars; one submission).

Conditions:
Congenital stationary night blindness autosomal dominant 3. Also called: NIGHT BLINDNESS, CONGENITAL STATIONARY, NOUGARET TYPE. Identifiers: Orphanet 215, MedGen C1864870, MONDO:0012497, OMIM 610444.

Allele frequency attached by ClinVar (database versions not stated): 1000 Genomes Project 0.00060; 1000 Genomes Project 30x 0.00062; TOPMed 0.00076; gnomAD 0.00078 and 0.00079.

Submission:

Illumina Laboratory Services, Illumina
Classification: Benign for Congenital stationary night blindness autosomal dominant 3. Last evaluated: 2018-01-13. Review status: criteria provided, single submitter. Criteria: ICSL Variant Classification Criteria 13 December 2019. Collection method: clinical testing. Allele origin: germline.
Comment: This variant was observed in the ICSL laboratory as part of a predisposition screen in an ostensibly healthy population. It had not been previously curated by ICSL or reported in the Human Gene Mutation Database (HGMD: prior to June 1st, 2018), and was therefore a candidate for classification through an automated scoring system. Utilizing variant allele frequency, disease prevalence and penetrance estimates, and inheritance mode, an automated score was calculated to assess if this variant is too frequent to cause the disease. Based on the score and internal cut-off values, a variant classified as benign is not then subjected to further curation. The score for this variant resulted in a classification of benign for this disease.